The following is an entry in ClinVar:

ClinVar aggregate classification (germline): Uncertain significance. Review status: criteria provided, multiple submitters, no conflicts (2 of 4 stars). 4 submissions from 4 submitters: Uncertain significance (4). Last evaluated 2025-11-20.

Conditions:
Inborn genetic diseases. Identifiers: MedGen C0950123, MeSH D030342.

Allele frequency attached by ClinVar (database versions not stated): gnomAD exomes 0.00001; ExAC 0.00004; gnomAD 0.00005; TOPMed 0.00005.
gnomAD v4.1: 34 of 1,614,102 alleles (0.0021%); highest among the groups gnomAD compares: Middle Eastern, 0.082%; no homozygotes.

Submissions (4):

Ambry Genetics
Classification: Uncertain significance for Inborn genetic diseases. Last evaluated: 2025-11-20. Review status: criteria provided, single submitter. Criteria: Ambry Variant Classification Scheme 2023. Collection method: clinical testing. Allele origin: germline.

Blueprint Genetics
Classification: Uncertain significance. Last evaluated: 2024-09-09. Review status: criteria provided, single submitter. Criteria: ACMG Guidelines, 2015. Collection method: clinical testing. Allele origin: germline.

CeGaT Center for Human Genetics Tuebingen
Classification: Uncertain significance. Last evaluated: 2024-03-01. Review status: criteria provided, single submitter. Criteria: CeGaT Center For Human Genetics Tuebingen Variant Classification Criteria Version 2. Collection method: clinical testing. Allele origin: germline. Affected: yes. Observed: 1 variant allele.
Comment: C1QBP: PM2:Supporting, PM3:Supporting

Labcorp Genetics (formerly Invitae), Labcorp
Classification: Uncertain significance. Last evaluated: 2022-07-03. Review status: criteria provided, single submitter. Criteria: Invitae Variant Classification Sherloc (09022015). Collection method: clinical testing. Allele origin: germline.
Comment: This sequence change replaces asparagine, which is neutral and polar, with serine, which is neutral and polar, at codon 134 of the C1QBP protein (p.Asn134Ser). This variant is present in population databases (rs539400878, gnomAD 0.01%). This variant has not been reported in the literature in individuals affected with C1QBP-related conditions. Algorithms developed to predict the effect of missense changes on protein structure and function (SIFT, PolyPhen-2, Align-GVGD) all suggest that this variant is likely to be disruptive. Algorithms developed to predict the effect of sequence changes on RNA splicing suggest that this variant may create or strengthen a splice site. In summary, the available evidence is currently insufficient to determine the role of this variant in disease. Therefore, it has been classified as a Variant of Uncertain Significance.

NM_001212.4(C1QBP):c.401A>G (p.Asn134Ser)

Gene: C1QBP (complement C1q binding protein; minus strand). Cytogenetic location: 17p13.2.
Variant type: single nucleotide variant.
Coding change: c.401A>G on transcript NM_001212.4 (MANE Select); coding-DNA position 401, A replaced by G.
Protein change: p.Asn134Ser; replaces asparagine 134 with serine.
Molecular consequence: missense variant.
Genome position (GRCh38, 1-based): chr17:5,434,949, T>C on the plus strand (A>G on the coding strand, the complement: C1QBP is on the minus strand). VCF-style: chr17-5434949-T-C. GRCh37 (hg19) VCF-style: chr17-5338269-T-C.
Other names: c.401A>G (NM_001212.3); short protein forms N134S.
Identifiers: ClinVar variation 2082480 (VCV002082480.25), dbSNP rs539400878, ClinGen allele CA8325292.